The following is an entry in ClinVar:

ClinVar aggregate classification (germline): Uncertain significance. Review status: criteria provided, multiple submitters, no conflicts (2 of 4 stars). 3 submissions from 3 submitters: Uncertain significance (3). Last evaluated 2026-02-19.

Conditions:
Sinoatrial node dysfunction and deafness (SANDD). Identifiers: Orphanet 324321, MedGen C3554018, MONDO:0013960, OMIM 614896.

Allele frequency attached by ClinVar (database versions not stated): gnomAD exomes 0.00007; ExAC 0.00001; gnomAD 0.00002; TOPMed 0.00002.
gnomAD v4.1: 101 of 1,612,178 alleles (0.0063%); highest among the groups gnomAD compares: Non-Finnish European, 0.0081%; no homozygotes.

Submissions (3):

Women's Health and Genetics/Laboratory Corporation of America, LabCorp
Classification: Uncertain significance. Last evaluated: 2026-02-19. Review status: criteria provided, single submitter. Criteria: LabCorp Variant Classification Summary - May 2015. Collection method: clinical testing. Allele origin: germline.
Comment: Variant summary: CACNA1D c.3460A>G (p.Ile1154Val) results in a conservative amino acid change in the encoded protein sequence. Algorithms developed to predict the effect of missense changes on protein structure and function are either unavailable or do not agree on the potential impact of this missense change. The variant allele was found at a frequency of 1.2e-05 in 251446 control chromosomes. The available data on variant occurrences in the general population are insufficient to allow any conclusion about variant significance. To our knowledge, c.3460A>G has been not observed in individual(s) affected with Sinoatrial Node Dysfunction And Deafness and no experimental evidence demonstrating an impact on protein function has been reported. ClinVar contains an entry for this variant (Variation ID: 1928552). Based on the evidence outlined above, the variant was classified as uncertain significance.

Labcorp Genetics (formerly Invitae), Labcorp
Classification: Uncertain significance. Last evaluated: 2025-01-23. Review status: criteria provided, single submitter. Criteria: Invitae Variant Classification Sherloc (09022015). Collection method: clinical testing. Allele origin: germline.
Comment: This sequence change replaces isoleucine, which is neutral and non-polar, with valine, which is neutral and non-polar, at codon 1154 of the CACNA1D protein (p.Ile1154Val). This variant is present in population databases (rs751014979, gnomAD 0.003%). This variant has not been reported in the literature in individuals affected with CACNA1D-related conditions. ClinVar contains an entry for this variant (Variation ID: 1928552). Invitae Evidence Modeling of protein sequence and biophysical properties (such as structural, functional, and spatial information, amino acid conservation, physicochemical variation, residue mobility, and thermodynamic stability) indicates that this missense variant is not expected to disrupt CACNA1D protein function with a negative predictive value of 80%. In summary, the available evidence is currently insufficient to determine the role of this variant in disease. Therefore, it has been classified as a Variant of Uncertain Significance.

Department of Pathology and Laboratory Medicine, Sinai Health System
Classification: Uncertain significance for sinoatrial node dysfunction and deafness. Last evaluated: 2020-08-28. Review status: criteria provided, single submitter. Criteria: ACMG Guidelines, 2015. Collection method: research. Allele origin: germline.

Literature cited by the submitters: PubMed 29396561 (cited by Women's Health and Genetics/Laboratory Corporation of America, LabCorp).

NM_001128840.3(CACNA1D):c.3400A>G (p.Ile1134Val)

Genes: CACNA1D (calcium voltage-gated channel subunit alpha1 D; plus strand), LOC129936904 (ATAC-STARR-seq lymphoblastoid active region 19969; plus strand). Cytogenetic location: 3p21.1.
Variant type: single nucleotide variant.
Coding change: c.3400A>G on transcript NM_001128840.3 (MANE Select); coding-DNA position 3400, A replaced by G.
Protein change: p.Ile1134Val; replaces isoleucine 1134 with valine.
Molecular consequence: missense variant.
Genome position (GRCh38, 1-based): chr3:53,749,353, A>G. VCF-style: chr3-53749353-A-G. GRCh37 (hg19) VCF-style: chr3-53783380-A-G.
Other names: c.3460A>G, p.Ile1154Val (NM_000720.4); c.3400A>G, p.Ile1134Val (NM_001128839.3); short protein forms I1154V, I1134V.
Identifiers: ClinVar variation 1928552 (VCV001928552.7), dbSNP rs751014979, ClinGen allele CA2454572.
Genomic context (GRCh38, chr3:53,749,353, plus strand): 5'-AATGGAGAGAACATCGGCCCAATCTACAACCACCGCGTGGAGATCTCCATCTTCTTCATC[A>G]TCTACATCATCATTGTAGCTTTCTTCATGATGAACATCTTTGTGGGCTTTGTCATCGTTA-3'
Protein context (NP_001122312.1, residues 1124-1144): HRVEISIFFI[Ile1134Val]YIIIVAFFMM